The following is an entry in ClinVar:

NM_000175.5(GPI):c.1040G>A (p.Arg347His)

Gene: GPI (glucose-6-phosphate isomerase; plus strand). Cytogenetic location: 19q13.11.
Variant type: single nucleotide variant.
Coding change: c.1040G>A on transcript NM_000175.5 (MANE Select); coding-DNA position 1040, G replaced by A.
Protein change: p.Arg347His; replaces arginine 347 with histidine.
Molecular consequence: missense variant.
Genome position (GRCh38, 1-based): chr19:34,394,044, G>A. VCF-style: chr19-34394044-G-A. GRCh37 (hg19) VCF-style: chr19-34884949-G-A.
Other names: R346H; c.1073G>A, p.Arg358His (NM_001184722.1); c.1157G>A, p.Arg386His (NM_001289789.1); c.956G>A, p.Arg319His (NM_001289790.3); c.1040G>A, p.Arg347His (NM_001329909.1, NM_001329910.1, NM_001329911.2 and 1 more transcripts); short protein forms R347H, R358H, R319H, R386H.
Identifiers: ClinVar variation 13640 (VCV000013640.17), dbSNP rs137853583, ClinGen allele CA123313.

ClinVar aggregate classification (germline): Pathogenic/Likely pathogenic. Review status: criteria provided, multiple submitters, no conflicts (2 of 4 stars). 4 submissions from 4 submitters: Pathogenic (2); Likely pathogenic (1). 1 of the submissions does not count toward it. Last evaluated 2023-05-20.

Conditions:
Hemolytic anemia due to glucophosphate isomerase deficiency (CNSHA4). Also called: ANEMIA, CONGENITAL, NONSPHEROCYTIC HEMOLYTIC, 4. Identifiers: Orphanet 712, MedGen C0272064, MONDO:0013275, OMIM 613470.

gnomAD v4.1: 28 of 1,612,302 alleles (0.0017%); highest among the groups gnomAD compares: South Asian, 0.0022%; no homozygotes.

Submissions (4):

Neuberg Centre For Genomic Medicine, NCGM
Classification: Likely pathogenic for Hemolytic anemia due to glucophosphate isomerase deficiency. Last evaluated: 2023-05-20. Review status: criteria provided, single submitter. Criteria: ACMG Guidelines, 2015. Collection method: clinical testing. Allele origin: germline. Inheritance: Autosomal recessive inheritance. Affected: yes.
Comment: The missense variant c.1040G>A (p.Arg347His) in the GPI gene has been reported previously in compound heterozygous and homozygous state in individuals affected with Hereditary Non-Spherocytic Hemolytic Anemia. Functional studies show that the residue is involved in enzyme dimerization and Arg347His leads to the loss of hydrogen bonds on the neighbouring chains of dimers, probably losing dimerization activity (Jamwal et al., 2017; Kedar et al., 2019). This variant is reported with the allele frequency (0.001%) in the gnomAD Exomes. It is submitted to ClinVar as Pathogenic. The amino acid Arginine at position 347 is changed to a Histidine changing protein sequence and it might alter its composition and physico-chemical properties. Multiple lines of computational evidence (Polyphen - Damaging, SIFT - Damaging and MutationTaster - Disease causing) predict a damaging effect on protein structure and function for this variant. The amino acid change p.Arg347His in GPI is predicted as conserved by GERP++ and PhyloP across 100 vertebrates. For these reasons, this variant has been classified as Pathogenic.

Revvity Omics, Revvity
Classification: Pathogenic for Hemolytic anemia due to glucophosphate isomerase deficiency. Last evaluated: 2022-09-21. Review status: criteria provided, single submitter. Criteria: ACMG Guidelines, 2015. Collection method: clinical testing. Allele origin: germline.

ARUP Laboratories, Molecular Genetics and Genomics, ARUP Laboratories
Classification: Pathogenic for Hemolytic anemia due to glucophosphate isomerase deficiency. Last evaluated: 2018-07-28. Review status: criteria provided, single submitter. Criteria: ARUP Molecular Germline Variant Investigation Process. Collection method: clinical testing. Allele origin: germline.

OMIM
Classification: Pathogenic for ANEMIA, CONGENITAL NONSPHEROCYTIC HEMOLYTIC, 4. Last evaluated: 1993-03-01. Review status: no assertion criteria provided. Collection method: literature only. Allele origin: germline. Not counted in ClinVar's aggregate classification.

Literature cited by the submitters: PubMed 8499925 (cited by OMIM).